The following is an entry in ClinVar:

NM_014822.4(SEC24D):c.1708-3dup

Gene: SEC24D (SEC24 homolog D, COPII component; minus strand). Cytogenetic location: 4q26.
Variant type: Duplication.
Coding change: c.1708-3dup on transcript NM_014822.4 (MANE Select); 3 bases into the intron before coding-DNA position 1708, one base duplicated (T; older notation c.1708-3dupT).
Molecular consequence: intron variant.
Genome position (GRCh38, 1-based): chr4:118,745,063, A duplicated on the plus strand (T on the coding strand, the reverse complement: SEC24D is on the minus strand); the first of 15 consecutive A bases (chr4:118,745,063-118,745,077); duplicating any one gives the same sequence. VCF-style (leftmost placement, unchanged base first): chr4-118745062-T-TA. GRCh37 (hg19) VCF-style: chr4-119666217-T-TA.
Other names: p.?; c.1711-3dup (NM_001318066.2).
Identifiers: ClinVar variation 4684804 (VCV004684804.1).
Genomic context (GRCh38, chr4:118,745,062, plus strand): 5'-GCTTCAGCAGTTGGCAAGGAAGAATGGAAGATGAACAGCTTCCCAGGACAGTCTGCTGCC[T>TA]AAAAAAAAAAAAAAACCCAAAAACCCACAGAAAATGCCGTGAGTAGGAACATTTTAAGAG-3'

ClinVar aggregate classification (germline): Benign (1 of 4 stars; one submission).

Submission:

Mayo Clinic Laboratories, Mayo Clinic
Classification: Benign. Last evaluated: 2023-03-16. Review status: criteria provided, single submitter. Criteria: ACMG Guidelines, 2015. Collection method: clinical testing. Allele origin: germline. Observed: 55 variant alleles.
Comment: BA1